The following is an entry in ClinVar:

ClinVar aggregate classification (germline): Uncertain significance (1 of 4 stars; one submission).

Conditions:
RASopathy. Also called: rasopathies; Noonan spectrum disorder. Identifiers: Orphanet 536391, MedGen C5555857, MONDO:0021060.

gnomAD v4.1: 6 of 1,612,968 alleles (0.00037%); highest among the groups gnomAD compares: Non-Finnish European, 0.00051%; no homozygotes.

Submission:

Labcorp Genetics (formerly Invitae), Labcorp
Classification: Uncertain significance for RASopathy. Last evaluated: 2021-11-14. Review status: criteria provided, single submitter. Criteria: Invitae Variant Classification Sherloc (09022015). Collection method: clinical testing. Allele origin: germline.
Comment: This sequence change replaces isoleucine, which is neutral and non-polar, with methionine, which is neutral and non-polar, at codon 100 of the NRAS protein (p.Ile100Met). This variant is not present in population databases (gnomAD no frequency). This variant has not been reported in the literature in individuals affected with NRAS-related conditions. Advanced modeling of protein sequence and biophysical properties (such as structural, functional, and spatial information, amino acid conservation, physicochemical variation, residue mobility, and thermodynamic stability) performed at Invitae indicates that this missense variant is expected to disrupt NRAS protein function. In summary, the available evidence is currently insufficient to determine the role of this variant in disease. Therefore, it has been classified as a Variant of Uncertain Significance.

NM_002524.5(NRAS):c.300T>G (p.Ile100Met)

Gene: NRAS (NRAS proto-oncogene, GTPase; minus strand). Cytogenetic location: 1p13.2.
Variant type: single nucleotide variant.
Coding change: c.300T>G on transcript NM_002524.5 (MANE Select); coding-DNA position 300, T replaced by G.
Protein change: p.Ile100Met; replaces isoleucine 100 with methionine.
Molecular consequence: missense variant.
Genome position (GRCh38, 1-based): chr1:114,709,719, A>C on the plus strand (T>G on the coding strand, the complement: NRAS is on the minus strand). VCF-style: chr1-114709719-A-C. GRCh37 (hg19) VCF-style: chr1-115252340-A-C.
Other names: short protein forms I100M.
Identifiers: ClinVar variation 1466357 (VCV001466357.6), dbSNP rs575693594, ClinGen allele CA341739776.